The following is an entry in ClinVar:

NM_025081.3(NYNRIN):c.551C>A (p.Ala184Glu)

Gene: NYNRIN (NYN domain and retroviral integrase containing; plus strand). Cytogenetic location: 14q12.
Variant type: single nucleotide variant.
Coding change: c.551C>A on transcript NM_025081.3 (MANE Select); coding-DNA position 551, C replaced by A.
Protein change: p.Ala184Glu; replaces alanine 184 with glutamic acid.
Molecular consequence: missense variant.
Genome position (GRCh38, 1-based): chr14:24,408,221, C>A. VCF-style: chr14-24408221-C-A. GRCh37 (hg19) VCF-style: chr14-24877427-C-A.
Other names: short protein forms A184E.
Identifiers: ClinVar variation 2635407 (VCV002635407.1), dbSNP rs760640899, ClinGen allele CA389259225.

ClinVar aggregate classification (germline): Uncertain significance (1 of 4 stars; one submission).

Conditions:
NYNRIN-related disorder. Also called: NYNRIN-related condition.

gnomAD v4.1: 1 of 1,604,294 alleles (0.000062%); highest among the groups gnomAD compares: African/African-American, 0.0013%; no homozygotes.

Submission:

PreventionGenetics, part of Exact Sciences
Classification: Uncertain significance for NYNRIN-related condition. Last evaluated: 2022-12-14. Review status: criteria provided, single submitter. Criteria: ACMG Guidelines, 2015. Collection method: clinical testing. Allele origin: germline.
Comment: The NYNRIN c.551C>A variant is predicted to result in the amino acid substitution p.Ala184Glu. To our knowledge, this variant has not been reported in the literature or in a large population database, indicating this variant is rare. At this time, the clinical significance of this variant is uncertain due to the absence of conclusive functional and genetic evidence.